The following is an entry in ClinVar:

ClinVar aggregate classification (germline): Conflicting classifications of pathogenicity. Review status: criteria provided, conflicting classifications (1 of 4 stars). 3 submissions from 3 submitters: Uncertain significance (2); Benign (1). Last evaluated 2026-04-30.

Conditions:
Primary ciliary dyskinesia. Also called: Ciliary dyskinesia. Identifiers: Orphanet 244, MedGen C0008780, MONDO:0016575, HP:0012265.

Allele frequency attached by ClinVar (database versions not stated): ExAC 0.00002; gnomAD 0.00003; TOPMed 0.00005.
gnomAD v4.1: 14 of 1,613,762 alleles (0.00087%); highest among the groups gnomAD compares: African/African-American, 0.012%; no homozygotes.

Submissions (3):

Ambry Genetics
Classification: Uncertain significance for Primary ciliary dyskinesia. Last evaluated: 2026-04-30. Review status: criteria provided, single submitter. Criteria: Ambry Variant Classification Scheme 2023. Collection method: clinical testing. Allele origin: germline.
Comment: The p.R1045Q variant (also known as c.3134G>A), located in coding exon 16 of the DNAH11 gene, results from a G to A substitution at nucleotide position 3134. The arginine at codon 1045 is replaced by glutamine, an amino acid with highly similar properties. This amino acid position is highly conserved in available vertebrate species. In addition, this alteration is predicted to be tolerated by in silico analysis. Based on the available evidence, the clinical significance of this variant remains unclear.

Labcorp Genetics (formerly Invitae), Labcorp
Classification: Benign for Primary ciliary dyskinesia. Last evaluated: 2025-11-23. Review status: criteria provided, single submitter. Criteria: Invitae Variant Classification Sherloc (09022015). Collection method: clinical testing. Allele origin: germline.

GeneDx
Classification: Uncertain significance. Last evaluated: 2019-11-09. Review status: criteria provided, single submitter. Criteria: GeneDx Variant Classification Process June 2021. Collection method: clinical testing. Allele origin: germline. Affected: yes.
Comment: In silico analysis, which includes protein predictors and evolutionary conservation, supports a deleterious effect; Has not been previously published as pathogenic or benign to our knowledge

NM_001277115.2(DNAH11):c.3134G>A (p.Arg1045Gln)

Genes: DNAH11 (dynein axonemal heavy chain 11; plus strand), LOC126859961 (BRD4-independent group 4 enhancer GRCh37_chr7:21639662-21640861; plus strand). Cytogenetic location: 7p15.3.
Variant type: single nucleotide variant.
Coding change: c.3134G>A on transcript NM_001277115.2 (MANE Select); coding-DNA position 3134, G replaced by A.
Protein change: p.Arg1045Gln; replaces arginine 1045 with glutamine.
Molecular consequence: missense variant.
Genome position (GRCh38, 1-based): chr7:21,600,809, G>A. VCF-style: chr7-21600809-G-A. GRCh37 (hg19) VCF-style: chr7-21640427-G-A.
Other names: short protein forms R1045Q.
Identifiers: ClinVar variation 571725 (VCV000571725.12), dbSNP rs754350576, ClinGen allele CA4179537.